The following is an entry in ClinVar:

NM_000432.4(MYL2):c.450G>A (p.Leu150=)

Gene: MYL2 (myosin light chain 2; minus strand). Cytogenetic location: 12q24.11.
Variant type: single nucleotide variant.
Coding change: c.450G>A on transcript NM_000432.4 (MANE Select); coding-DNA position 450, G replaced by A.
Protein change: p.Leu150=; no amino-acid change (leucine 150 retained).
Molecular consequence: synonymous variant.
Genome position (GRCh38, 1-based): chr12:110,911,128, C>T on the plus strand (G>A on the coding strand, the complement: MYL2 is on the minus strand). VCF-style: chr12-110911128-C-T. GRCh37 (hg19) VCF-style: chr12-111348932-C-T.
Identifiers: ClinVar variation 925214 (VCV000925214.4), dbSNP rs1379018063, ClinGen allele CA481750746.

ClinVar aggregate classification (germline): Likely benign. Review status: criteria provided, multiple submitters, no conflicts (2 of 4 stars). 2 submissions from 2 submitters: Likely benign (2). Last evaluated 2024-07-29.

Conditions:
Cardiomyopathy (CMYO). Also called: Cardiomyopathies. Identifiers: Orphanet 167848, MedGen C0878544, MONDO:0004994, HP:0001638. Inheritance: Various modes of inheritance.
Hypertrophic cardiomyopathy. Also called: HYPERTROPHIC MYOCARDIOPATHY. Identifiers: Orphanet 217569, MedGen C0007194, MeSH D002312, MONDO:0005045, HP:0001639.

Allele frequency attached by ClinVar (database versions not stated): gnomAD exomes below 0.00001 and 0.00001; gnomAD 0.00001.
gnomAD v4.1: 2 of 1,612,934 alleles (0.00012%); highest among the groups gnomAD compares: Admixed American, 0.0033%; no homozygotes.

Submissions (2):

All of Us Research Program, National Institutes of Health
Classification: Likely benign for Hypertrophic cardiomyopathy. Last evaluated: 2024-07-29. Review status: criteria provided, single submitter. Criteria: ACMG Guidelines, 2015. Collection method: clinical testing. Allele origin: germline. Inheritance: Autosomal dominant inheritance. Observed: 2 variant alleles, 2 heterozygotes.
Comment: This study involves interpretation of variants in research participants for the purpose of population health screening. Participant phenotype was not available at the time of variant classification. Additional details can be found in publication PMID: 35346344, PMCID: PMC8962531

Color Diagnostics, LLC DBA Color Health
Classification: Likely benign for Cardiomyopathy. Last evaluated: 2019-05-16. Review status: criteria provided, single submitter. Criteria: ACMG Guidelines, 2015. Collection method: clinical testing. Allele origin: germline.